The following is an entry in ClinVar:

ClinVar aggregate classification (germline): Uncertain significance (1 of 4 stars; one submission).

Allele frequency attached by ClinVar (database versions not stated): TOPMed below 0.00001; gnomAD 0.00002.

Submission:

Labcorp Genetics (formerly Invitae), Labcorp
Classification: Uncertain significance. Last evaluated: 2022-07-30. Review status: criteria provided, single submitter. Criteria: Invitae Variant Classification Sherloc (09022015). Collection method: clinical testing. Allele origin: germline.
Comment: In summary, the available evidence is currently insufficient to determine the role of this variant in disease. Therefore, it has been classified as a Variant of Uncertain Significance. This sequence change replaces serine, which is neutral and polar, with proline, which is neutral and non-polar, at codon 1359 of the COL4A6 protein (p.Ser1359Pro). The frequency data for this variant in the population databases is considered unreliable, as metrics indicate poor data quality at this position in the gnomAD database. This variant has not been reported in the literature in individuals affected with COL4A6-related conditions. Algorithms developed to predict the effect of missense changes on protein structure and function (SIFT, PolyPhen-2, Align-GVGD) all suggest that this variant is likely to be tolerated.

NM_033641.4(COL4A6):c.4072T>C (p.Ser1358Pro)

Gene: COL4A6 (collagen type IV alpha 6 chain; minus strand). Cytogenetic location: Xq22.3.
Variant type: single nucleotide variant.
Coding change: c.4072T>C on transcript NM_033641.4 (MANE Select); coding-DNA position 4072, T replaced by C.
Protein change: p.Ser1358Pro; replaces serine 1358 with proline.
Molecular consequence: missense variant.
Genome position (GRCh38, 1-based): chrX:108,163,036, A>G on the plus strand (T>C on the coding strand, the complement: COL4A6 is on the minus strand). VCF-style: chrX-108163036-A-G. GRCh37 (hg19) VCF-style: chrX-107406266-A-G.
Other names: c.4123T>C, p.Ser1375Pro (NM_001287758.2); c.4000T>C, p.Ser1334Pro (NM_001287759.2); c.3901T>C, p.Ser1301Pro (NM_001287760.2); c.4075T>C, p.Ser1359Pro (NM_001847.4); short protein forms S1359P, S1334P, S1358P, S1301P, S1375P.
Identifiers: ClinVar variation 2198605 (VCV002198605.4), dbSNP rs953663207, ClinGen allele CA334035559.